The following is an entry in ClinVar:

NM_017617.5(NOTCH1):c.4948G>T (p.Ala1650Ser)

Gene: NOTCH1 (notch receptor 1; minus strand). Cytogenetic location: 9q34.3.
Variant type: single nucleotide variant.
Coding change: c.4948G>T on transcript NM_017617.5 (MANE Select); coding-DNA position 4948, G replaced by T.
Protein change: p.Ala1650Ser; replaces alanine 1650 with serine.
Molecular consequence: missense variant.
Genome position (GRCh38, 1-based): chr9:136,504,743, C>A on the plus strand (G>T on the coding strand, the complement: NOTCH1 is on the minus strand). VCF-style: chr9-136504743-C-A. GRCh37 (hg19) VCF-style: chr9-139399195-C-A.
Other names: short protein forms A1650S.
Identifiers: ClinVar variation 3921027 (VCV003921027.1).

ClinVar aggregate classification (germline): Uncertain significance (1 of 4 stars; one submission).

Conditions:
Familial thoracic aortic aneurysm and aortic dissection (TAAD). Also called: Thoracic aortic aneurysms and dissections. Identifiers: Orphanet 91387, MedGen C4707243, MONDO:0019625.

Submission:

Ambry Genetics
Classification: Uncertain significance for Familial thoracic aortic aneurysm and aortic dissection. Last evaluated: 2025-03-25. Review status: criteria provided, single submitter. Criteria: Ambry Variant Classification Scheme 2023. Collection method: clinical testing. Allele origin: germline.
Comment: The p.A1650S variant (also known as c.4948G>T), located in coding exon 26 of the NOTCH1 gene, results from a G to T substitution at nucleotide position 4948. The alanine at codon 1650 is replaced by serine, an amino acid with similar properties. This amino acid position is conserved. In addition, this alteration is predicted to be tolerated by in silico analysis. Based on the available evidence, the clinical significance of this variant remains unclear.